The following is an entry in ClinVar:

ClinVar aggregate classification (germline): Uncertain significance (1 of 4 stars; one submission).

Submission:

GeneDx
Classification: Uncertain significance. Last evaluated: 2022-04-27. Review status: criteria provided, single submitter. Criteria: GeneDx Variant Classification Process June 2021. Collection method: clinical testing. Allele origin: germline. Affected: yes.
Comment: Not observed at significant frequency in large population cohorts (gnomAD); In silico analysis supports that this missense variant has a deleterious effect on protein structure/function; Has not been previously published as pathogenic or benign to our knowledge

NM_000193.4(SHH):c.727G>A (p.Asp243Asn)

Gene: SHH (sonic hedgehog signaling molecule; minus strand). Cytogenetic location: 7q36.3.
Variant type: single nucleotide variant.
Coding change: c.727G>A on transcript NM_000193.4 (MANE Select); coding-DNA position 727, G replaced by A.
Protein change: p.Asp243Asn; replaces aspartic acid 243 with asparagine.
Molecular consequence: missense variant. On other transcripts: intron variant (1).
Genome position (GRCh38, 1-based): chr7:155,803,562, C>T on the plus strand (G>A on the coding strand, the complement: SHH is on the minus strand). VCF-style: chr7-155803562-C-T. GRCh37 (hg19) VCF-style: chr7-155596256-C-T.
Other names: c.301+2734G>A (NM_001310462.2); short protein forms D243N.
Identifiers: ClinVar variation 1722980 (VCV001722980.2), dbSNP rs2535894276, ClinGen allele CA370146276.